The following is an entry in ClinVar:

NM_014000.3(VCL):c.3154-8C>G

Gene: VCL (vinculin; plus strand). Cytogenetic location: 10q22.2.
Variant type: single nucleotide variant.
Coding change: c.3154-8C>G on transcript NM_014000.3 (MANE Select); 8 bases into the intron before coding-DNA position 3154, C replaced by G.
Molecular consequence: intron variant.
Genome position (GRCh38, 1-based): chr10:74,114,787, C>G. VCF-style: chr10-74114787-C-G. GRCh37 (hg19) VCF-style: chr10-75874545-C-G.
Other names: c.2950-8C>G (NM_003373.4).
Identifiers: ClinVar variation 384025 (VCV000384025.5), dbSNP rs376690719, ClinGen allele CA16605930.
Genomic context (GRCh38, chr10:74,114,787, plus strand): 5'-GTCTTGCCTTCAAGGAGCTTGTGGGCAAGGCAAACAGAGAAACATACCAAATTAAACTTT[C>G]TCTTTAGGTATGTGAGCGAATCCCAACCATAAGCACCCAGCTCAAAATCCTGTCCACAGT-3'

ClinVar aggregate classification (germline): Likely benign. Review status: criteria provided, multiple submitters, no conflicts (2 of 4 stars). 2 submissions from 2 submitters: Likely benign (2). Last evaluated 2025-09-14.

Conditions:
Dilated cardiomyopathy 1W (CMD1W). Identifiers: Orphanet 154, MedGen C1969639, MONDO:0012667, OMIM 611407.

Allele frequency attached by ClinVar (database versions not stated): gnomAD 0.00001; TOPMed 0.00001; ESP Exome Variant Server 0.00008.
gnomAD v4.1: 2 of 1,597,828 alleles (0.00013%); highest among the groups gnomAD compares: Non-Finnish European, 0.00017%; no homozygotes.

Submissions (2):

Labcorp Genetics (formerly Invitae), Labcorp
Classification: Likely benign for Dilated cardiomyopathy 1W. Last evaluated: 2025-09-14. Review status: criteria provided, single submitter. Criteria: Invitae Variant Classification Sherloc (09022015). Collection method: clinical testing. Allele origin: germline.

GeneDx
Classification: Likely benign. Last evaluated: 2016-02-22. Review status: criteria provided, single submitter. Criteria: GeneDx Variant Classification (06012015). Collection method: clinical testing. Allele origin: germline. Affected: yes.
Comment: This variant is considered likely benign or benign based on one or more of the following criteria: it is a conservative change, it occurs at a poorly conserved position in the protein, it is predicted to be benign by multiple in silico algorithms, and/or has population frequency not consistent with disease.